The following is an entry in ClinVar:

NM_000218.3(KCNQ1):c.-5T>C

Gene: KCNQ1 (potassium voltage-gated channel subfamily Q member 1; plus strand). Cytogenetic location: 11p15.5.
Variant type: single nucleotide variant.
Coding change: c.-5T>C on transcript NM_000218.3 (MANE Select); 5 bases upstream of the start codon, T replaced by C.
Molecular consequence: 5 prime UTR variant.
Genome position (GRCh38, 1-based): chr11:2,445,094, T>C. VCF-style: chr11-2445094-T-C. GRCh37 (hg19) VCF-style: chr11-2466324-T-C.
Other names: c.-5T>C (NM_001406836.1, NM_001406838.1); c.-367T>C (NM_001406837.1).
Identifiers: ClinVar variation 138009 (VCV000138009.63), dbSNP rs532941548, ClinGen allele CA007698.

ClinVar aggregate classification (germline): Conflicting classifications of pathogenicity. Review status: criteria provided, conflicting classifications (1 of 4 stars). 17 submissions from 14 submitters: Uncertain significance (5); Benign (3); Likely benign (6). 3 of the submissions do not count toward it. Last evaluated 2026-08-01.

Conditions:
Cardiovascular phenotype. Identifiers: MedGen CN230736.
Long QT syndrome 1 (LQT1). Identifiers: Orphanet 101016, Orphanet 768, MedGen C4551647, MONDO:0100316, OMIM 192500, MONDO:0008646.
Jervell and Lange-Nielsen syndrome 1 (JLNS1). Also called: PROLONGED QT INTERVAL IN EKG AND SUDDEN DEATH; SURDO-CARDIAC SYNDROME; CARDIOAUDITORY SYNDROME OF JERVELL AND LANGE-NIELSEN; DEAFNESS, CONGENITAL, AND FUNCTIONAL HEART DISEASE. Identifiers: Orphanet 768, Orphanet 90647, MedGen C4551509, MONDO:0024540, OMIM 220400.
Atrial fibrillation, familial, 3 (ATFB3). Identifiers: MedGen C1837014, MONDO:0011857, OMIM 607554.
Short QT syndrome type 2. Identifiers: Orphanet 51083, MedGen C1865019, MONDO:0012313, OMIM 609621.

Allele frequency attached by ClinVar (database versions not stated): 1000 Genomes Project 0.00020; gnomAD 0.00263 and 0.00267; TOPMed 0.00255; ExAC 0.01471; gnomAD exomes 0.00161 and 0.00457; 1000 Genomes Project 30x 0.00203.
gnomAD v4.1: 4,602 of 1,077,632 alleles (0.43%); highest among the groups gnomAD compares: Non-Finnish European, 0.48%; 13 homozygotes.

Submissions (17):

CeGaT Center for Human Genetics Tuebingen
Classification: Likely benign. Last evaluated: 2026-08-01. Review status: criteria provided, single submitter. Criteria: CeGaT Center For Human Genetics Tuebingen Variant Classification Criteria Version 2. Collection method: clinical testing. Allele origin: germline. Affected: yes. Observed: 19 variant alleles.
Comment: KCNQ1: BP4, BS2

Mayo Clinic Laboratories, Mayo Clinic
Classification: Benign. Last evaluated: 2025-08-21. Review status: criteria provided, single submitter. Criteria: ACMG Guidelines, 2015. Collection method: clinical testing. Allele origin: germline. Observed: 7 variant alleles.
Comment: BS1, BS2, BP4, BP7

Molecular Diagnostic Laboratory for Inherited Cardiovascular Disease, Montreal Heart Institute
Classification: Likely benign. Last evaluated: 2025-04-09. Review status: criteria provided, single submitter. Criteria: ACMG Guidelines, 2015. Collection method: clinical testing. Allele origin: germline. Affected: no.

Blueprint Genetics
Classification: Likely benign. Last evaluated: 2024-11-26. Review status: criteria provided, single submitter. Criteria: ACMG Guidelines, 2015. Collection method: clinical testing. Allele origin: germline.

Women's Health and Genetics/Laboratory Corporation of America, LabCorp
Classification: Benign. Last evaluated: 2022-01-31. Review status: criteria provided, single submitter. Criteria: LabCorp Variant Classification Summary - May 2015. Collection method: clinical testing. Allele origin: germline.
Comment: Variant summary: KCNQ1 c.-5T>C is located in the untranslated mRNA region upstream of the initiation codon. The variant allele was found at a frequency of 0.0027 in 146374 control chromosomes in the gnomAD database (v3.1 genomes dataset), including 1 homozygote. The observed variant frequency is approximately 26-fold higher than the estimated maximal expected allele frequency for a pathogenic variant in KCNQ1 causing Arrhythmia phenotype (0.0001), strongly suggesting that the variant is benign. c.-5T>C has been reported in the literature in individuals affected with or being tested for LQTS, without strong evidence for causality (Jongbloed_2002, Stattin_2012). To our knowledge, no experimental evidence demonstrating an impact on protein function has been reported. Six other clinical diagnostic laboratories have submitted clinical-significance assessments for this variant to ClinVar after 2014 without evidence for independent evaluation, and classified the variant as likely benign (n=4) or VUS (n=2). Based on the evidence outlined above, the variant was classified as benign.

Athena Diagnostics
Classification: Uncertain significance. Last evaluated: 2018-11-19. Review status: criteria provided, single submitter. Criteria: Athena Diagnostics Criteria. Collection method: clinical testing. Allele origin: germline.

Illumina Laboratory Services, Illumina
Classification: Uncertain significance for Short QT syndrome type 2. Last evaluated: 2018-08-16. Review status: criteria provided, single submitter. Criteria: ICSL Variant Classification Criteria 13 December 2019. Collection method: clinical testing. Allele origin: germline.
Comment: This variant was observed as part of a predisposition screen in an ostensibly healthy population. A literature search was performed for the gene, cDNA change, and amino acid change (where applicable). Publications were found based on this search. However, the evidence from the literature, in combination with allele frequency data from public databases where available, was not sufficient to rule this variant in or out of causing disease. Therefore, this variant is classified as a variant of unknown significance.

Illumina Laboratory Services, Illumina
Classification: Likely benign for Long QT syndrome 1. Last evaluated: 2018-08-15. Review status: criteria provided, single submitter. Criteria: ICSL Variant Classification Criteria 13 December 2019. Collection method: clinical testing. Allele origin: germline.
Comment: This variant was observed as part of a predisposition screen in an ostensibly healthy population. A literature search was performed for the gene, cDNA change, and amino acid change (where applicable). No publications were found based on this search. Allele frequency data from public databases allowed determination this variant is unlikely to cause disease. Therefore, this variant is classified as likely benign.

Illumina Laboratory Services, Illumina
Classification: Uncertain significance for Atrial fibrillation, familial, 3. Last evaluated: 2018-08-15. Review status: criteria provided, single submitter. Criteria: ICSL Variant Classification Criteria 13 December 2019. Collection method: clinical testing. Allele origin: germline.

Illumina Laboratory Services, Illumina
Classification: Uncertain significance for Jervell and Lange-Nielsen syndrome 1. Last evaluated: 2018-08-15. Review status: criteria provided, single submitter. Criteria: ICSL Variant Classification Criteria 13 December 2019. Collection method: clinical testing. Allele origin: germline.

Ambry Genetics
Classification: Likely benign for Cardiovascular phenotype. Last evaluated: 2018-05-21. Review status: criteria provided, single submitter. Criteria: Ambry Variant Classification Scheme 2023. Collection method: clinical testing. Allele origin: germline.

Laboratory for Molecular Medicine, Mass General Brigham Personalized Medicine
Classification: Likely benign. Last evaluated: 2018-02-28. Review status: criteria provided, single submitter. Criteria: LMM Criteria. Collection method: clinical testing. Allele origin: germline. Observed: 8 variant alleles.
Comment: c.-5T>C in the 5'UTR of KCNQ1: This variant is classified as likely benign becau se it has been identified in 0.34% (47/13662) of European chromosomes by the Gen ome Aggregation Database (gnomAD; dbSNP rs532 941548). ACMG/AMP Criteria applied: BS1.

Eurofins Ntd Llc (ga)
Classification: Uncertain significance. Last evaluated: 2015-09-21. Review status: criteria provided, single submitter. Criteria: EGL Classification Definitions 2015. Collection method: clinical testing. Allele origin: germline. Observed: 1 variant allele, 1 heterozygote.

GeneDx
Classification: Benign. Last evaluated: 2012-03-27. Review status: criteria provided, single submitter. Criteria: GeneDx Variant Classification (06012015). Collection method: clinical testing. Allele origin: germline. Affected: yes.
Comment: This variant is considered likely benign or benign based on one or more of the following criteria: it is a conservative change, it occurs at a poorly conserved position in the protein, it is predicted to be benign by multiple in silico algorithms, and/or has population frequency not consistent with disease.

Clinical Genetics, Academic Medical Center
Classification: Benign. Review status: no assertion criteria provided. Collection method: clinical testing. Allele origin: germline. Affected: yes. Study: VKGL Data-share Consensus. Not counted in ClinVar's aggregate classification.

Genome Diagnostics Laboratory, University Medical Center Utrecht
Classification: Likely benign. Review status: no assertion criteria provided. Collection method: clinical testing. Allele origin: germline. Affected: yes. Study: VKGL Data-share Consensus. Not counted in ClinVar's aggregate classification.

Joint Genome Diagnostic Labs from Nijmegen and Maastricht, Radboudumc and MUMC+
Classification: Likely benign. Review status: no assertion criteria provided. Collection method: clinical testing. Allele origin: germline. Affected: yes. Study: VKGL Data-share Consensus. Not counted in ClinVar's aggregate classification.

Literature cited by the submitters: PubMed 12402336 (cited by 3 submitters); PubMed 23098067 (cited by Mayo Clinic Laboratories, Mayo Clinic and Women's Health and Genetics/Laboratory Corporation of America, LabCorp); PubMed 12175777 (cited by Illumina Laboratory Services, Illumina); PubMed 23935525 (cited by Illumina Laboratory Services, Illumina); PubMed 26937405 (cited by Illumina Laboratory Services, Illumina); PubMed 11668641 (cited by Illumina Laboratory Services, Illumina); PubMed 28302345 (cited by Illumina Laboratory Services, Illumina); PubMed 28360401 (cited by Illumina Laboratory Services, Illumina).